The following is an entry in ClinVar:

NM_002291.3(LAMB1):c.4183G>A (p.Glu1395Lys)

Gene: LAMB1 (laminin subunit beta 1; minus strand). Cytogenetic location: 7q31.1.
Variant type: single nucleotide variant.
Coding change: c.4183G>A on transcript NM_002291.3 (MANE Select); coding-DNA position 4183, G replaced by A.
Protein change: p.Glu1395Lys; replaces glutamic acid 1395 with lysine.
Molecular consequence: missense variant.
Genome position (GRCh38, 1-based): chr7:107,935,420, C>T on the plus strand (G>A on the coding strand, the complement: LAMB1 is on the minus strand). VCF-style: chr7-107935420-C-T. GRCh37 (hg19) VCF-style: chr7-107575865-C-T.
Other names: short protein forms E1395K.
Identifiers: ClinVar variation 561153 (VCV000561153.12), dbSNP rs146045042, ClinGen allele CA4435137.

ClinVar aggregate classification (germline): Uncertain significance. Review status: criteria provided, multiple submitters, no conflicts (2 of 4 stars). 4 submissions from 4 submitters: Uncertain significance (4). Last evaluated 2024-11-06.

Conditions:
Cobblestone lissencephaly without muscular or ocular involvement. Also called: Lissencephaly 5; LEUKOENCEPHALOPATHY WITH VARIABLE CORTICAL BRAIN MALFORMATIONS AND/OR HYDROCEPHALUS. Identifiers: Orphanet 352682, MedGen C3554657, MONDO:0014077, OMIM 615191.

Allele frequency attached by ClinVar (database versions not stated): ExAC 0.00010; gnomAD exomes 0.00010 and 0.00030; 1000 Genomes Project 30x 0.00016; 1000 Genomes Project 0.00020; gnomAD 0.00022; ESP Exome Variant Server 0.00023.
gnomAD v4.1: 439 of 1,470,472 alleles (0.03%); highest among the groups gnomAD compares: Non-Finnish European, 0.037%; 1 homozygote.

Submissions (4):

Labcorp Genetics (formerly Invitae), Labcorp
Classification: Uncertain significance. Last evaluated: 2024-11-06. Review status: criteria provided, single submitter. Criteria: Invitae Variant Classification Sherloc (09022015). Collection method: clinical testing. Allele origin: germline.
Comment: This sequence change replaces glutamic acid, which is acidic and polar, with lysine, which is basic and polar, at codon 1395 of the LAMB1 protein (p.Glu1395Lys). This variant is present in population databases (rs146045042, gnomAD 0.02%). This missense change has been observed in individual(s) with LAMB1-related conditions (PMID: 25326635). ClinVar contains an entry for this variant (Variation ID: 561153). An algorithm developed to predict the effect of missense changes on protein structure and function (PolyPhen-2) suggests that this variant is likely to be tolerated. In summary, the available evidence is currently insufficient to determine the role of this variant in disease. Therefore, it has been classified as a Variant of Uncertain Significance.

Blueprint Genetics
Classification: Uncertain significance. Last evaluated: 2024-09-30. Review status: criteria provided, single submitter. Criteria: ACMG Guidelines, 2015. Collection method: clinical testing. Allele origin: germline.

GeneDx
Classification: Uncertain significance. Last evaluated: 2020-02-14. Review status: criteria provided, single submitter. Criteria: GeneDx Variant Classification Process June 2021. Collection method: clinical testing. Allele origin: germline. Affected: yes.
Comment: In silico analysis supports that this missense variant does not alter protein structure/function; Has not been previously published as pathogenic or benign to our knowledge

Baylor Genetics
Classification: Uncertain significance for Cobblestone lissencephaly without muscular or ocular involvement. Last evaluated: 2017-09-01. Review status: criteria provided, single submitter. Criteria: ACMG Guidelines, 2015. Collection method: clinical testing. Allele origin: germline. Inheritance: Autosomal recessive inheritance. Affected: yes.
Comment: Heterozygotes are expected to be asymptomatic carriers.

Literature cited by the submitters: PubMed 25326635 (cited by Labcorp Genetics (formerly Invitae), Labcorp and Baylor Genetics).